The following is an entry in ClinVar:

NC_000016.9:g.(?_75573892)_(75574092_?)del

Gene: TMEM231 (transmembrane protein 231; minus strand). Cytogenetic location: 16q23.1.
Variant type: Deletion.
Identifiers: ClinVar variation 1471484 (VCV001471484.7).

ClinVar aggregate classification (germline): Uncertain significance (1 of 4 stars; one submission).

Conditions:
Meckel syndrome, type 11 (MKS11). Identifiers: Orphanet 564, MedGen C3809352, MONDO:0014164, OMIM 615397.
Joubert syndrome 20 (JBTS20). Identifiers: Orphanet 475, MedGen C3554235, MONDO:0013994, OMIM 614970.

Submission:

Labcorp Genetics (formerly Invitae), Labcorp
Classification: Uncertain significance for Joubert syndrome 20; Meckel syndrome, type 11. Last evaluated: 2021-12-24. Review status: criteria provided, single submitter. Criteria: Invitae Variant Classification Sherloc (09022015). Collection method: clinical testing. Allele origin: germline.
Comment: In summary, the available evidence is currently insufficient to determine the role of this variant in disease. Therefore, it has been classified as a Variant of Uncertain Significance. This variant disrupts a region of the TMEM231 protein in which other variant(s) (p.Gln325Pro) have been observed in individuals with TMEM231-related conditions (PMID: 23349226). This suggests that this is a clinically significant region of the protein, and that variants that disrupt it are likely to be disease-causing. This variant has not been reported in the literature in individuals affected with TMEM231-related conditions. This variant is a gross deletion of the genomic region encompassing exon(s) 6 of the TMEM231 gene, which includes the termination codon. This deletion extends beyond the assayed region for this gene and therefore may encompass additional genes. While this deletion is not anticipated to lead to nonsense mediated decay, it is expected to alter mRNA translation or result in a truncated protein product.

Literature cited by the submitters: PubMed 23349226.